The following is an entry in ClinVar:

NC_000001.10:g.(?_193172915)_(193172992_?)del

Gene: CDC73 (cell division cycle 73; plus strand). Cytogenetic location: 1q31.2.
Variant type: Deletion.
Identifiers: ClinVar variation 3247697 (VCV003247697.1).

ClinVar aggregate classification (germline): Pathogenic (1 of 4 stars; one submission).

Conditions:
Parathyroid carcinoma (PRTC). Also called: Parathyroid gland carcinoma; CDC73-Related Parathyroid Carcinoma. Identifiers: Orphanet 143, MedGen C0687150, MONDO:0012004, OMIM 608266, HP:0006780.

Submission:

Labcorp Genetics (formerly Invitae), Labcorp
Classification: Pathogenic for Parathyroid carcinoma. Last evaluated: 2022-11-04. Review status: criteria provided, single submitter. Criteria: Invitae Variant Classification Sherloc (09022015). Collection method: clinical testing. Allele origin: unknown.
Comment: For these reasons, this variant has been classified as Pathogenic. This variant has not been reported in the literature in individuals affected with CDC73-related conditions. This variant is a gross deletion of the genomic region encompassing exon(s) 11 of the CDC73 gene. This deletion is out-of-frame, and is expected to create a premature termination codon and result in an absent or disrupted protein product. Loss-of-function variants in CDC73 are known to be pathogenic (PMID: 12434154).

Literature cited by the submitters: PubMed 12434154.